The following is an entry in ClinVar:

ClinVar aggregate classification (germline): Uncertain significance. Review status: criteria provided, multiple submitters, no conflicts (2 of 4 stars). 2 submissions from 2 submitters: Uncertain significance (2). Last evaluated 2025-11-11.

Conditions:
Catecholaminergic polymorphic ventricular tachycardia 1. Also called: VENTRICULAR TACHYCARDIA, STRESS-INDUCED POLYMORPHIC 1; VENTRICULAR TACHYCARDIA, CATECHOLAMINERGIC POLYMORPHIC, 1, WITH OR WITHOUT ATRIAL DYSFUNCTION AND/OR DILATED CARDIOMYOPATHY; RYR2-Related Catecholaminergic Polymorphic Ventricular Tachycardia. Identifiers: Orphanet 3286, MedGen C1631597, MONDO:0011484, OMIM 604772.
Cardiomyopathy (CMYO). Also called: Cardiomyopathies. Identifiers: Orphanet 167848, MedGen C0878544, MONDO:0004994, HP:0001638. Inheritance: Various modes of inheritance.

Allele frequency attached by ClinVar (database versions not stated): gnomAD exomes below 0.00001; gnomAD 0.00001; TOPMed 0.00003.
gnomAD v4.1: 5 of 1,594,978 alleles (0.00031%); highest among the groups gnomAD compares: African/African-American, 0.0067%; no homozygotes.

Submissions (2):

Labcorp Genetics (formerly Invitae), Labcorp
Classification: Uncertain significance for Catecholaminergic polymorphic ventricular tachycardia 1. Last evaluated: 2025-11-11. Review status: criteria provided, single submitter. Criteria: Invitae Variant Classification Sherloc (09022015). Collection method: clinical testing. Allele origin: germline.
Comment: This sequence change replaces cysteine, which is neutral and slightly polar, with glycine, which is neutral and non-polar, at codon 615 of the RYR2 protein (p.Cys615Gly). This variant is not present in population databases (gnomAD no frequency). This variant has not been reported in the literature in individuals affected with RYR2-related conditions. ClinVar contains an entry for this variant (Variation ID: 463584). Invitae Evidence Modeling of protein sequence and biophysical properties (such as structural, functional, and spatial information, amino acid conservation, physicochemical variation, residue mobility, and thermodynamic stability) has been performed for this missense variant. However, the output from this modeling did not meet the statistical confidence thresholds required to predict the impact of this variant on RYR2 protein function. In summary, the available evidence is currently insufficient to determine the role of this variant in disease. Therefore, it has been classified as a Variant of Uncertain Significance.

Color Diagnostics, LLC DBA Color Health
Classification: Uncertain significance for Cardiomyopathy. Last evaluated: 2025-03-03. Review status: criteria provided, single submitter. Criteria: ACMG Guidelines, 2015. Collection method: clinical testing. Allele origin: germline.
Comment: This missense variant replaces cysteine with glycine at codon 615 of the RYR2 protein. Computational prediction suggests that this variant may have deleterious impact on protein structure and function (internally defined REVEL score threshold >= 0.7, PMID: 27666373). To our knowledge, functional studies have not been reported for this variant. This variant has not been reported in individuals affected with RYR2-related disorders in the literature. This variant has not been identified in the general population by the Genome Aggregation Database (gnomAD). The available evidence is insufficient to determine the role of this variant in disease conclusively. Therefore, this variant is classified as a Variant of Uncertain Significance.

NM_001035.3(RYR2):c.1843T>G (p.Cys615Gly)

Gene: RYR2 (ryanodine receptor 2; plus strand). Cytogenetic location: 1q43.
Variant type: single nucleotide variant.
Coding change: c.1843T>G on transcript NM_001035.3 (MANE Select); coding-DNA position 1843, T replaced by G.
Protein change: p.Cys615Gly; replaces cysteine 615 with glycine.
Molecular consequence: missense variant.
Genome position (GRCh38, 1-based): chr1:237,492,969, T>G. VCF-style: chr1-237492969-T-G. GRCh37 (hg19) VCF-style: chr1-237656269-T-G.
Other names: c.1843T>G, p.Cys615Gly (LRG_402t1); short protein forms C615G.
Identifiers: ClinVar variation 463584 (VCV000463584.11), dbSNP rs1055900110, ClinGen allele CA39821152.